The following is an entry in ClinVar:

ClinVar aggregate classification (germline): Uncertain significance (1 of 4 stars; one submission).

Conditions:
Cardiovascular phenotype. Identifiers: MedGen CN230736.

Allele frequency attached by ClinVar (database versions not stated): gnomAD exomes below 0.00001.
gnomAD v4.1: 1 of 1,609,890 alleles (0.000062%); highest among the groups gnomAD compares: Non-Finnish European, 0.000085%; no homozygotes.

Submission:

Ambry Genetics
Classification: Uncertain significance for Cardiovascular phenotype. Last evaluated: 2022-11-28. Review status: criteria provided, single submitter. Criteria: Ambry Variant Classification Scheme 2023. Collection method: clinical testing. Allele origin: germline.
Comment: The p.E4603A variant (also known as c.13808A>C), located in coding exon 95 of the RYR2 gene, results from an A to C substitution at nucleotide position 13808. The glutamic acid at codon 4603 is replaced by alanine, an amino acid with dissimilar properties. This amino acid position is highly conserved in available vertebrate species. In addition, this alteration is predicted to be deleterious by in silico analysis. Since supporting evidence is limited at this time, the clinical significance of this alteration remains unclear.

NM_001035.3(RYR2):c.13808A>C (p.Glu4603Ala)

Gene: RYR2 (ryanodine receptor 2; plus strand). Cytogenetic location: 1q43.
Variant type: single nucleotide variant.
Coding change: c.13808A>C on transcript NM_001035.3 (MANE Select); coding-DNA position 13808, A replaced by C.
Protein change: p.Glu4603Ala; replaces glutamic acid 4603 with alanine.
Molecular consequence: missense variant.
Genome position (GRCh38, 1-based): chr1:237,793,892, A>C. VCF-style: chr1-237793892-A-C. GRCh37 (hg19) VCF-style: chr1-237957192-A-C.
Other names: short protein forms E4603A.
Identifiers: ClinVar variation 2454007 (VCV002454007.2), dbSNP rs2527949234, ClinGen allele CA345418033.